The following is an entry in ClinVar:

ClinVar aggregate classification (germline): Uncertain significance. Review status: criteria provided, multiple submitters, no conflicts (2 of 4 stars). 2 submissions from 2 submitters: Uncertain significance (2). Last evaluated 2025-10-02.

Conditions:
Inborn genetic diseases. Identifiers: MedGen C0950123, MeSH D030342.

Allele frequency attached by ClinVar (database versions not stated): gnomAD 0.00002; TOPMed 0.00002; gnomAD exomes 0.00001; ExAC 0.00001.
gnomAD v4.1: 23 of 1,613,128 alleles (0.0014%); highest among the groups gnomAD compares: African/African-American, 0.0027%; no homozygotes.

Submissions (2):

Ambry Genetics
Classification: Uncertain significance for Inborn genetic diseases. Last evaluated: 2025-10-02. Review status: criteria provided, single submitter. Criteria: Ambry Variant Classification Scheme 2023. Collection method: clinical testing. Allele origin: germline.

Labcorp Genetics (formerly Invitae), Labcorp
Classification: Uncertain significance. Last evaluated: 2022-04-19. Review status: criteria provided, single submitter. Criteria: Invitae Variant Classification Sherloc (09022015). Collection method: clinical testing. Allele origin: germline.
Comment: This sequence change replaces tyrosine, which is neutral and polar, with histidine, which is basic and polar, at codon 310 of the ADSSL1 protein (p.Tyr310His). This variant is present in population databases (rs773873572, gnomAD 0.007%). This variant has not been reported in the literature in individuals affected with ADSSL1-related conditions. Algorithms developed to predict the effect of missense changes on protein structure and function are either unavailable or do not agree on the potential impact of this missense change (SIFT: "Not Available"; PolyPhen-2: "Probably Damaging"; Align-GVGD: "Not Available"). In summary, the available evidence is currently insufficient to determine the role of this variant in disease. Therefore, it has been classified as a Variant of Uncertain Significance.

NM_152328.5(ADSS1):c.799T>C (p.Tyr267His)

Gene: ADSS1 (adenylosuccinate synthase 1; plus strand). Cytogenetic location: 14q32.33.
Variant type: single nucleotide variant.
Coding change: c.799T>C on transcript NM_152328.5 (MANE Select); coding-DNA position 799, T replaced by C.
Protein change: p.Tyr267His; replaces tyrosine 267 with histidine.
Molecular consequence: missense variant.
Genome position (GRCh38, 1-based): chr14:104,741,853, T>C. VCF-style: chr14-104741853-T-C. GRCh37 (hg19) VCF-style: chr14-105208190-T-C.
Other names: c.928T>C (NM_199165.1); c.184T>C, p.Tyr62His (NM_001320424.1); c.928T>C, p.Tyr310His (NM_199165.2); short protein forms Y310H, Y267H, Y62H.
Identifiers: ClinVar variation 1933421 (VCV001933421.3), dbSNP rs773873572, ClinGen allele CA7373881.